The following is an entry in ClinVar:

ClinVar aggregate classification (germline): Likely benign (0 of 4 stars; one submission).

Conditions:
H19-related disorder. Also called: H19-related condition.

Submission:

PreventionGenetics, part of Exact Sciences
Classification: Likely benign for H19-related condition. Last evaluated: 2024-05-22. Review status: no assertion criteria provided. Collection method: clinical testing. Allele origin: germline.
Comment: This variant is classified as likely benign based on ACMG/AMP sequence variant interpretation guidelines (Richards et al. 2015 PMID: 25741868, with internal and published modifications).

NC_000011.10:g.1999368G>A

Genes: H19 (H19 imprinted maternally expressed transcript; minus strand), H19-ICR (H19/IGF2 imprinting control region; plus strand), MRPL23 (mitochondrial ribosomal protein L23; plus strand). Cytogenetic location: 11p15.5.
Variant type: single nucleotide variant.
Molecular consequence: intron variant (on NM_001400176.1).
Genome position: GRCh38 VCF-style: chr11-1999368-G-A. GRCh37 (hg19) VCF-style: chr11-2020598-G-A.
Other names: c.498-12173G>A (NM_001400176.1).
Identifiers: ClinVar variation 3356496 (VCV003356496.1).